The following is an entry in ClinVar:

ClinVar aggregate classification (germline): Pathogenic (1 of 4 stars; one submission).

Conditions:
Glycogen storage disease, type IV (GSD4). Also called: AMYLOPECTINOSIS; ANDERSEN DISEASE; BRANCHER DEFICIENCY; CIRRHOSIS, FAMILIAL, WITH DEPOSITION OF ABNORMAL GLYCOGEN; GBE1 DEFICIENCY; GLYCOGEN BRANCHING ENZYME DEFICIENCY. Identifiers: Orphanet 367, MedGen C0017923, MONDO:0009292, OMIM 232500.

Submission:

Myriad Genetics, Inc.
Classification: Pathogenic for Glycogen storage disease, type IV. Last evaluated: 2024-05-14. Review status: criteria provided, single submitter. Criteria: Myriad Autosomal Dominant, Autosomal Recessive and X-Linked Classification Criteria (2023). Collection method: clinical testing. Allele origin: unknown.
Comment: NM_000158.3(GBE1):c.1297_1298ins13(Y433Cfs*14) is expected to be pathogenic in the context of glycogen storage disease, GBE1-related. This variant is predicted to lead to an abnormal or absent protein product due to the creation of a premature termination codon in GBE1, a gene where loss-of-function variants are known to be pathogenic. Please note: this variant was assessed in the context of healthy population screening.

NM_000158.4(GBE1):c.1297_1298insGTCTCTTATACAC (p.Tyr433fs)

Gene: GBE1 (1,4-alpha-glucan branching enzyme 1; minus strand). Cytogenetic location: 3p12.2.
Variant type: Insertion.
Coding change: c.1297_1298insGTCTCTTATACAC on transcript NM_000158.4 (MANE Select); coding-DNA positions 1297 to 1298, GTCTCTTATACAC inserted.
Protein change: p.Tyr433fs; shifts the reading frame from tyrosine 433.
Molecular consequence: frameshift variant.
Genome position: GRCh38 VCF-style: chr3-81586129-T-TGTGTATAAGAGAC. GRCh37 (hg19) VCF-style: chr3-81635280-T-TGTGTATAAGAGAC.
Other names: short protein forms Y433fs.
Identifiers: ClinVar variation 5011146 (VCV005011146.1).